The following is an entry in ClinVar:

ClinVar aggregate classification (germline): Pathogenic (1 of 4 stars; one submission).

gnomAD v4.1: 23 of 1,614,136 alleles (0.0014%); highest among the groups gnomAD compares: Non-Finnish European, 0.0017%; no homozygotes.

Submission:

GeneDx
Classification: Pathogenic. Last evaluated: 2025-06-05. Review status: criteria provided, single submitter. Criteria: GeneDx Variant Classification Process June 2021. Collection method: clinical testing. Allele origin: germline.
Comment: Nonsense variant predicted to result in protein truncation or nonsense mediated decay in a gene for which loss-of-function is a known mechanism of disease; Not observed at significant frequency in large population cohorts (gnomAD); Has not been previously published as pathogenic or benign to our knowledge

NM_001134793.2(HYLS1):c.-25-3153G>A

Genes: HYLS1 (HYLS1 centriolar and ciliogenesis associated; plus strand), PUS3 (pseudouridine synthase 3; minus strand). Cytogenetic location: 11q24.2.
Variant type: single nucleotide variant.
Coding change: c.-25-3153G>A on transcript NM_001134793.2 (MANE Select); 3153 bases into the intron before 25 bases upstream of the start codon, G replaced by A.
Molecular consequence: intron variant. On other transcripts: nonsense (1).
Genome position (GRCh38, 1-based): chr11:125,896,191, G>A. VCF-style: chr11-125896191-G-A. GRCh37 (hg19) VCF-style: chr11-125766086-G-A.
Other names: c.-22-3156G>A (NM_001424364.1, NM_001377270.1); c.-25-3153G>A (NM_001377269.1); c.-246-402C>T (NM_001271985.2); c.94C>T, p.Gln32Ter (NM_031307.4); c.-80-2913G>A (NM_145014.3); short protein forms Q32*.
Identifiers: ClinVar variation 3342342 (VCV003342342.2).
Genomic context (GRCh38, chr11:125,896,191, plus strand): 5'-TAGTTTTTCCAGCTCCTGCTGAATTTTCTCTAATGTTTGAGTCCTCCTTATTTTTGGCCT[G>A]TTCCTTTTTAAGTCTTTGCACCTCTTGCTCCAGTTCTCGTACTCTTTTTAGGAGCTTCTC-3'